The following is an entry in ClinVar:

NM_153717.3(EVC):c.24del (p.Ala7_Cys8insTer)

Genes: EVC (EvC ciliary complex subunit 1; plus strand), LOC129992144 (ATAC-STARR-seq lymphoblastoid silent region 15223; plus strand). Cytogenetic location: 4p16.2.
Variant type: Deletion.
Coding change: c.24del on transcript NM_153717.3 (MANE Select); coding-DNA position 24, one base deleted (C; older notation c.24delC).
Protein change: p.Ala7_Cys8insTer.
Molecular consequence: nonsense.
Genome position (GRCh38, 1-based): chr4:5,711,404, C deleted. VCF-style (leftmost placement, unchanged base first): chr4-5711403-GC-G. GRCh37 (hg19) VCF-style: chr4-5713130-GC-G.
Other names: c.24del, p.Ala7_Cys8insTer (NM_001306090.2, NM_001306092.2).
Identifiers: ClinVar variation 552255 (VCV000552255.5), dbSNP rs1553857828, ClinGen allele CA658821186.

ClinVar aggregate classification (germline): Pathogenic. Review status: criteria provided, single submitter (1 of 4 stars). 2 submissions from 2 submitters: Pathogenic (1). 1 of the submissions does not count toward it. Last evaluated 2023-03-31.

Conditions:
Curry-Hall syndrome (WAD). Also called: WEYERS ACRODENTAL DYSOSTOSIS. Identifiers: Orphanet 952, MedGen C0457013, MONDO:0008673, OMIM 193530.
Ellis-van Creveld syndrome (EVC). Also called: EVC2-Related Ellis-van Creveld Syndrome; EVC-Related Ellis-van Creveld Syndrome; MESOECTODERMAL DYSPLASIA; Chondroectodermal dysplasia. Identifiers: Orphanet 289, MedGen C0013903, MONDO:0009162, OMIM 225500.

Submissions (2):

Labcorp Genetics (formerly Invitae), Labcorp
Classification: Pathogenic for Curry-Hall syndrome; Ellis-van Creveld syndrome. Last evaluated: 2023-03-31. Review status: criteria provided, single submitter. Criteria: Invitae Variant Classification Sherloc (09022015). Collection method: clinical testing. Allele origin: germline.
Comment: ClinVar contains an entry for this variant (Variation ID: 552255). For these reasons, this variant has been classified as Pathogenic. This sequence change creates a premature translational stop signal (p.Cys8*) in the EVC gene. It is expected to result in an absent or disrupted protein product. Loss-of-function variants in EVC are known to be pathogenic (PMID: 23220543). The frequency data for this variant in the population databases is considered unreliable, as metrics indicate insufficient coverage at this position in the gnomAD database. This variant has not been reported in the literature in individuals affected with EVC-related conditions.

Counsyl
Classification: Likely pathogenic for Ellis-van Creveld syndrome. Last evaluated: 2017-06-21. Review status: no assertion criteria provided. Collection method: clinical testing. Allele origin: unknown. Not counted in ClinVar's aggregate classification.

Literature cited by the submitters: PubMed 23220543 (cited by Labcorp Genetics (formerly Invitae), Labcorp).